The following is an entry in ClinVar:

ClinVar aggregate classification (germline): Uncertain significance (1 of 4 stars; one submission).

Submission:

Women's Health and Genetics/Laboratory Corporation of America, LabCorp
Classification: Uncertain significance. Last evaluated: 2024-01-13. Review status: criteria provided, single submitter. Criteria: LabCorp Variant Classification Summary - May 2015. Collection method: clinical testing. Allele origin: germline.
Comment: Variant summary: PLEKHG2 c.3329C>A (p.Ser1110X) results in a premature termination codon, predicted to cause a truncation of the protein, and no downstream pathogenic variants have been reported. The variant was absent in 251430 control chromosomes. To our knowledge, no occurrence of c.3329C>A in individuals affected with Leukodystrophy And Acquired Microcephaly With Or Without Dystonia and no experimental evidence demonstrating its impact on protein function have been reported. No submitters have cited clinical-significance assessments for this variant to ClinVar. Based on the evidence outlined above, the variant was classified as uncertain significance.

NM_022835.3(PLEKHG2):c.3329C>A (p.Ser1110Ter)

Gene: PLEKHG2 (pleckstrin homology and RhoGEF domain containing G2; plus strand). Cytogenetic location: 19q13.2.
Variant type: single nucleotide variant.
Coding change: c.3329C>A on transcript NM_022835.3 (MANE Select); coding-DNA position 3329, C replaced by A.
Protein change: p.Ser1110Ter; replaces serine 1110 with a stop codon.
Molecular consequence: nonsense. On other transcripts: intron variant (1).
Genome position (GRCh38, 1-based): chr19:39,424,462, C>A. VCF-style: chr19-39424462-C-A. GRCh37 (hg19) VCF-style: chr19-39915102-C-A.
Other names: c.3152C>A, p.Ser1051Ter (NM_001351693.2); c.1678-776C>A (NM_001351694.2); short protein forms S1051*, S1110*.
Identifiers: ClinVar variation 3063902 (VCV003063902.1), dbSNP rs2514461232, ClinGen allele CA405805260.